The following is an entry in ClinVar:

ClinVar aggregate classification (germline): Uncertain significance (1 of 4 stars; one submission).

gnomAD v4.1: 4 of 1,613,470 alleles (0.00025%); highest among the groups gnomAD compares: Non-Finnish European, 0.00034%; no homozygotes.

Submission:

GeneDx
Classification: Uncertain significance. Last evaluated: 2025-06-03. Review status: criteria provided, single submitter. Criteria: GeneDx Variant Classification Process June 2021. Collection method: clinical testing. Allele origin: germline. Affected: yes.
Comment: Not observed at significant frequency in large population cohorts (gnomAD); Has not been previously published as pathogenic or benign to our knowledge

NM_001267550.2(TTN):c.70205T>C (p.Ile23402Thr)

Genes: TTN (titin; minus strand), TTN-AS1 (TTN antisense RNA 1; plus strand), LOC126806422 (BRD4-independent group 4 enhancer GRCh37_chr2:179440205-179441404; plus strand). Cytogenetic location: 2q31.2.
Variant type: single nucleotide variant.
Coding change: c.70205T>C on transcript NM_001267550.2 (MANE Select); coding-DNA position 70205, T replaced by C.
Protein change: p.Ile23402Thr; replaces isoleucine 23402 with threonine.
Molecular consequence: missense variant.
Genome position (GRCh38, 1-based): chr2:178,575,927, A>G on the plus strand (T>C on the coding strand, the complement: TTN is on the minus strand). VCF-style: chr2-178575927-A-G. GRCh37 (hg19) VCF-style: chr2-179440654-A-G.
Other names: c.65282T>C, p.Ile21761Thr (NM_001256850.1); c.43010T>C, p.Ile14337Thr (NM_003319.4); c.62501T>C, p.Ile20834Thr (NM_133378.4); c.43385T>C, p.Ile14462Thr (NM_133432.3); c.43586T>C, p.Ile14529Thr (NM_133437.4); short protein forms I14337T, I14462T, I14529T, I20834T, I21761T, I23402T.
Identifiers: ClinVar variation 4536376 (VCV004536376.1).